The following is an entry in ClinVar:

NM_005198.5(CHKB):c.871G>A (p.Glu291Lys)

Genes: CHKB (choline kinase beta; minus strand), CHKB-CPT1B (CHKB-CPT1B readthrough (NMD candidate); minus strand). Cytogenetic location: 22q13.33.
Variant type: single nucleotide variant.
Coding change: c.871G>A on transcript NM_005198.5 (MANE Select); coding-DNA position 871, G replaced by A.
Protein change: p.Glu291Lys; replaces glutamic acid 291 with lysine.
Molecular consequence: missense variant. On other transcripts: non-coding transcript variant (1).
Genome position (GRCh38, 1-based): chr22:50,580,030, C>T on the plus strand (G>A on the coding strand, the complement: CHKB is on the minus strand). VCF-style: chr22-50580030-C-T. GRCh37 (hg19) VCF-style: chr22-51018459-C-T.
Other names: short protein forms E291K.
Identifiers: ClinVar variation 2038461 (VCV002038461.3), dbSNP rs374544105, ClinGen allele CA10323603.
Genomic context (GRCh38, chr22:50,580,030, plus strand): 5'-ATACCTGCTGTTCTTGAGTGGGGTAGTCTGTGGGCCTTGCTTTGTAGAAAGGCCATTCCT[C>T]GTGAGTATAATCATAAACCCACTCACAAAAATGGTTCCCAATGTCAAAGCCCCTGGGAGA-3'
Protein context (NP_005189.2, residues 281-301): FCEWVYDYTH[Glu291Lys]EWPFYKARPT

ClinVar aggregate classification (germline): Uncertain significance (1 of 4 stars; one submission).

Conditions:
Megaconial type congenital muscular dystrophy (MDCMC). Also called: MUSCULAR DYSTROPHY, CONGENITAL, WITH MITOCHONDRIAL STRUCTURAL ABNORMALITIES; CHKB-Related Muscular Dystrophy; CHKB-Related Muscle Diseases. Identifiers: Orphanet 280671, MedGen C1865233, MONDO:0011246, OMIM 602541.

Allele frequency attached by ClinVar (database versions not stated): gnomAD exomes 0.00003; ExAC 0.00004; TOPMed 0.00005; gnomAD 0.00007; ESP Exome Variant Server 0.00008.
gnomAD v4.1: 50 of 1,613,936 alleles (0.0031%); highest among the groups gnomAD compares: African/African-American, 0.021%; no homozygotes.

Submission:

Labcorp Genetics (formerly Invitae), Labcorp
Classification: Uncertain significance for Megaconial type congenital muscular dystrophy. Last evaluated: 2022-02-18. Review status: criteria provided, single submitter. Criteria: Invitae Variant Classification Sherloc (09022015). Collection method: clinical testing. Allele origin: germline.
Comment: In summary, the available evidence is currently insufficient to determine the role of this variant in disease. Therefore, it has been classified as a Variant of Uncertain Significance. Algorithms developed to predict the effect of missense changes on protein structure and function (SIFT, PolyPhen-2, Align-GVGD) all suggest that this variant is likely to be tolerated. This variant has not been reported in the literature in individuals affected with CHKB-related conditions. This variant is present in population databases (rs374544105, gnomAD 0.03%). This sequence change replaces glutamic acid, which is acidic and polar, with lysine, which is basic and polar, at codon 291 of the CHKB protein (p.Glu291Lys).